The following is an entry in ClinVar:

ClinVar aggregate classification (germline): Uncertain significance. Review status: criteria provided, multiple submitters, no conflicts (2 of 4 stars). 3 submissions from 3 submitters: Uncertain significance (3). Last evaluated 2024-07-17.

Conditions:
Mitochondrial DNA depletion syndrome 17. Identifiers: MedGen C5231412, MONDO:0032815, OMIM 618567.

Allele frequency attached by ClinVar (database versions not stated): ExAC 0.00003; gnomAD 0.00006; ESP Exome Variant Server 0.00008; 1000 Genomes Project 0.00020; 1000 Genomes Project 30x 0.00031.
gnomAD v4.1: 40 of 1,614,128 alleles (0.0025%); highest among the groups gnomAD compares: African/African-American, 0.041%; no homozygotes.

Submissions (3):

3billion
Classification: Uncertain significance for Mitochondrial DNA depletion syndrome 17. Last evaluated: 2024-07-17. Review status: criteria provided, single submitter. Criteria: ACMG Guidelines, 2015. Collection method: clinical testing. Allele origin: germline. Affected: yes.
Comment: The variant is observed at an extremely low frequency in the gnomAD v4.0.0 dataset (total allele frequency: 0.002%). Predicted Consequence/Location: Missense variant In silico tool predictions suggest damaging effect of the variant on gene or gene product [REVEL: 0.88 (>=0.6, sensitivity 0.68 and specificity 0.92)]. A different missense change at the same codon (p.Gly189Arg) has been reported to be associated with MRM2-related disorder (ClinVar ID: VCV000689394 /PMID: 28973171). However the evidence of pathogenicity is insufficient at this time. Therefore, this variant is classified as VUS according to the recommendation of ACMG/AMP guideline.

GeneDx
Classification: Uncertain significance. Last evaluated: 2024-03-29. Review status: criteria provided, single submitter. Criteria: GeneDx Variant Classification Process June 2021. Collection method: clinical testing. Allele origin: germline. Affected: yes.
Comment: Has not been previously published as pathogenic or benign to our knowledge; In silico analysis supports that this missense variant has a deleterious effect on protein structure/function; This variant is associated with the following publications: (PMID: 28973171)

Ambry Genetics
Classification: Uncertain significance. Last evaluated: 2021-09-01. Review status: criteria provided, single submitter. Criteria: Ambry Variant Classification Scheme 2023. Collection method: clinical testing. Allele origin: germline.

Literature cited by the submitters: PubMed 28973171 (cited by 3billion).

NM_013393.3(MRM2):c.566G>A (p.Gly189Glu)

Gene: MRM2 (mitochondrial rRNA methyltransferase 2; minus strand). Cytogenetic location: 7p22.3.
Variant type: single nucleotide variant.
Coding change: c.566G>A on transcript NM_013393.3 (MANE Select); coding-DNA position 566, G replaced by A.
Protein change: p.Gly189Glu; replaces glycine 189 with glutamic acid.
Molecular consequence: missense variant.
Genome position (GRCh38, 1-based): chr7:2,235,297, C>T on the plus strand (G>A on the coding strand, the complement: MRM2 is on the minus strand). VCF-style: chr7-2235297-C-T. GRCh37 (hg19) VCF-style: chr7-2274932-C-T.
Other names: short protein forms G189E.
Identifiers: ClinVar variation 2347725 (VCV002347725.4), dbSNP rs139361869, ClinGen allele CA4123942.